The following is an entry in ClinVar:

NM_001367624.2(ZNF469):c.8655_8673del (p.Val2886fs)

Gene: ZNF469 (zinc finger protein 469; plus strand). Cytogenetic location: 16q24.2.
Variant type: Deletion.
Coding change: c.8655_8673del on transcript NM_001367624.2 (MANE Select); coding-DNA positions 8655 to 8673, 19 bases deleted (GGTGCTCCCGCTGCCAACC).
Protein change: p.Val2886fs; shifts the reading frame from valine 2886.
Molecular consequence: frameshift variant.
Genome position (GRCh38, 1-based): chr16:88,436,125-88,436,143, GGTGCTCCCGCTGCCAACC deleted; deleting any 19 consecutive bases within chr16:88,436,123-88,436,143 gives the same sequence; the c. name uses the placement nearest the transcript's 3' end. VCF-style (leftmost placement, unchanged base first): chr16-88436122-GCCGGTGCTCCCGCTGCCAA-G. GRCh37 (hg19) VCF-style: chr16-88502530-GCCGGTGCTCCCGCTGCCAA-G.
Other names: short protein forms V2886fs.
Identifiers: ClinVar variation 3726386 (VCV003726386.2).

ClinVar aggregate classification (germline): Pathogenic (1 of 4 stars; one submission).

Submission:

Labcorp Genetics (formerly Invitae), Labcorp
Classification: Pathogenic. Last evaluated: 2024-11-29. Review status: criteria provided, single submitter. Criteria: Invitae Variant Classification Sherloc (09022015). Collection method: clinical testing. Allele origin: germline.
Comment: This sequence change creates a premature translational stop signal (p.Val2858Serfs*125) in the ZNF469 gene. While this is not anticipated to result in nonsense mediated decay, it is expected to disrupt the last 1068 amino acid(s) of the ZNF469 protein. This variant is not present in population databases (gnomAD no frequency). This variant has not been reported in the literature in individuals affected with ZNF469-related conditions. This variant disrupts a region of the ZNF469 protein in which other variant(s) (p.Pro3556Glnfs*136) have been determined to be pathogenic (PMID: 32671420). This suggests that this is a clinically significant region of the protein, and that variants that disrupt it are likely to be disease-causing. For these reasons, this variant has been classified as Pathogenic.

Literature cited by the submitters: PubMed 32671420.